The following is an entry in ClinVar:

NM_001083116.3(PRF1):c.674G>A (p.Arg225Gln)

Gene: PRF1 (perforin 1; minus strand). Cytogenetic location: 10q22.1.
Variant type: single nucleotide variant.
Coding change: c.674G>A on transcript NM_001083116.3 (MANE Select); coding-DNA position 674, G replaced by A.
Protein change: p.Arg225Gln; replaces arginine 225 with glutamine.
Molecular consequence: missense variant.
Genome position (GRCh38, 1-based): chr10:70,599,047, C>T on the plus strand (G>A on the coding strand, the complement: PRF1 is on the minus strand). VCF-style: chr10-70599047-C-T. GRCh37 (hg19) VCF-style: chr10-72358803-C-T.
Other names: c.674G>A, p.Arg225Gln (NM_005041.6); short protein forms R225Q.
Identifiers: ClinVar variation 656598 (VCV000656598.15), dbSNP rs140281371, ClinGen allele CA5538948.

ClinVar aggregate classification (germline): Conflicting classifications of pathogenicity. Review status: criteria provided, conflicting classifications (1 of 4 stars). 6 submissions from 6 submitters: Likely pathogenic (1); Uncertain significance (4). 1 of the submissions does not count toward it. Last evaluated 2026-02-25.

Conditions:
PRF1-related disorder. Also called: PRF1-related condition.
Lymphoma, non-Hodgkin, familial. Identifiers: MedGen C4721532, MONDO:0011508, OMIM 605027.
Familial hemophagocytic lymphohistiocytosis 2 (FHL2). Also called: PRF1-Related Familial Hemophagocytic Lymphohistiocytosis (PRF1-fHLH). Identifiers: Orphanet 540, MedGen C1863727, MONDO:0011337, OMIM 603553.
Aplastic anemia. Identifiers: Orphanet 182040, Orphanet 88, MedGen C0002874, MONDO:0015909, OMIM 609135, HP:0001915.

Allele frequency attached by ClinVar (database versions not stated): gnomAD exomes 0.00014 and 0.00017; ExAC 0.00015; gnomAD 0.00015; TOPMed 0.00020; ESP Exome Variant Server 0.00023.
gnomAD v4.1: 266 of 1,613,332 alleles (0.016%); highest among the groups gnomAD compares: Non-Finnish European, 0.021%; no homozygotes.

Submissions (6):

Women's Health and Genetics/Laboratory Corporation of America, LabCorp
Classification: Uncertain significance. Last evaluated: 2026-02-25. Review status: criteria provided, single submitter. Criteria: LabCorp Variant Classification Summary - May 2015. Collection method: clinical testing. Allele origin: germline.
Comment: Variant summary: PRF1 c.674G>A (p.Arg225Gln) results in a conservative amino acid change located in the Membrane attack complex component/perforin (MACPF) domain of the encoded protein sequence. Algorithms developed to predict the effect of missense changes on protein structure and function all suggest that this variant is likely to be tolerated. The variant allele was found at a frequency of 0.00014 in 249724 control chromosomes. This frequency is not significantly higher than estimated for disease-causing variants in PRF1, allowing no conclusion about variant significance. c.674G>A has been reported in the literature in an individual affected with Familial Hemophagocytic Lymphohistiocytosis in the compound heterozygous state (Wang_2014) as well as in individuals without a second allele reported (Chen_2018, Guan_2021, Xin_2023). These data do not allow any conclusion about variant significance. A different variant affecting the same codon has been classified as pathogenic by our lab (c.673C>T, p.Arg225Trp), supporting the critical relevance of codon 225 to PRF1 protein function. To our knowledge, no experimental evidence demonstrating an impact on protein function has been reported. The following publications have been ascertained in the context of this evaluation (PMID: 29665027, 34170459, 29357941, 25233452, 37467895). ClinVar contains an entry for this variant (Variation ID: 656598). Based on the evidence outlined above, the variant was classified as VUS-possibly pathogenic.

Blueprint Genetics
Classification: Likely pathogenic for PRF1-related disorders. Last evaluated: 2024-10-02. Review status: criteria provided, single submitter. Criteria: ACMG Guidelines, 2015. Collection method: clinical testing. Allele origin: germline. Affected: yes. Observed: 5 variant alleles.

Labcorp Genetics (formerly Invitae), Labcorp
Classification: Uncertain significance for Familial hemophagocytic lymphohistiocytosis 2. Last evaluated: 2022-08-09. Review status: criteria provided, single submitter. Criteria: Invitae Variant Classification Sherloc (09022015). Collection method: clinical testing. Allele origin: germline.
Comment: This sequence change replaces arginine, which is basic and polar, with glutamine, which is neutral and polar, at codon 225 of the PRF1 protein (p.Arg225Gln). This variant is present in population databases (rs140281371, gnomAD 0.05%). This missense change has been observed in individual(s) with hemophagocytic lymphohistiocytosis (PMID: 25233452). ClinVar contains an entry for this variant (Variation ID: 656598). Algorithms developed to predict the effect of missense changes on protein structure and function output the following: SIFT: "Tolerated"; PolyPhen-2: "Benign"; Align-GVGD: "Class C0". The glutamine amino acid residue is found in multiple mammalian species, which suggests that this missense change does not adversely affect protein function. Algorithms developed to predict the effect of sequence changes on RNA splicing suggest that this variant may create or strengthen a splice site. This variant disrupts the p.Arg225 amino acid residue in PRF1. Other variant(s) that disrupt this residue have been determined to be pathogenic (PMID: 10583959, 15365097, 16374518, 23443029, 33225392). This suggests that this residue is clinically significant, and that variants that disrupt this residue are likely to be disease-causing. In summary, the available evidence is currently insufficient to determine the role of this variant in disease. Therefore, it has been classified as a Variant of Uncertain Significance.

Fulgent Genetics
Classification: Uncertain significance for Familial hemophagocytic lymphohistiocytosis 2; Lymphoma, non-Hodgkin, familial; Aplastic anemia. Last evaluated: 2022-03-29. Review status: criteria provided, single submitter. Criteria: ACMG Guidelines, 2015. Collection method: clinical testing. Allele origin: unknown.

Illumina Laboratory Services, Illumina
Classification: Uncertain significance for Familial hemophagocytic lymphohistiocytosis 2. Last evaluated: 2017-04-27. Review status: criteria provided, single submitter. Criteria: ICSL Variant Classification Criteria 13 December 2019. Collection method: clinical testing. Allele origin: germline.

Department of Pathology and Laboratory Medicine, Sinai Health System
Classification: Uncertain significance. Review status: no assertion criteria provided. Collection method: clinical testing. Allele origin: unknown. Affected: yes. Study: The Canadian Open Genetics Repository (COGR). Not counted in ClinVar's aggregate classification.
Comment: The variant was identified in dbSNP (ID: rs140281371) and ClinVar (classified as uncertain significance by Invitae for Familial Hemophagocytic lymphohistiocytosis 2). The variant was identified in control databases in 38 of 266652 chromosomes at a frequency of 0.0001425 (Genome Aggregation Database March 6, 2019, v2.1.1, non-cancer). The variant was observed in the following populations: East Asian in 9 of 19246 chromosomes (freq: 0.000468), European (non-Finnish) in 25 of 116846 chromosomes (freq: 0.000214), Latino in 2 of 35062 chromosomes (freq: 0.000057), African in 1 of 23600 chromosomes (freq: 0.000042) and South Asian in 1 of 30484 chromosomes (freq: 0.000033), but was not observed in the Ashkenazi Jewish, European (Finnish), or Other populations. The p.Arg225 residue is not conserved in mammals and computational analyses (PolyPhen-2, SIFT, AlignGVGD, BLOSUM, MutationTaster) do not suggest a high likelihood of impact to the protein; however, this information is not predictive enough to rule out pathogenicity. The variant occurs outside of the splicing consensus sequence and 3 of 4 in silico or computational prediction software programs (SpliceSiteFinder, MaxEntScan, NNSPLICE, GeneSplicer) predict a greater than 10% difference in splicing. However, this has not been confirmed by RNA analysis and is not predictive enough to assume pathogenicity. In summary, based on the above information the clinical significance of this variant cannot be determined with certainty at this time. This variant is classified as a variant of uncertain significance.

Literature cited by the submitters: PubMed 29665027 (cited by Women's Health and Genetics/Laboratory Corporation of America, LabCorp); PubMed 34170459 (cited by Women's Health and Genetics/Laboratory Corporation of America, LabCorp); PubMed 29357941 (cited by Women's Health and Genetics/Laboratory Corporation of America, LabCorp); PubMed 25233452 (cited by Women's Health and Genetics/Laboratory Corporation of America, LabCorp and Labcorp Genetics (formerly Invitae), Labcorp); PubMed 37467895 (cited by Women's Health and Genetics/Laboratory Corporation of America, LabCorp); PubMed 10583959 (cited by Labcorp Genetics (formerly Invitae), Labcorp); PubMed 15365097 (cited by Labcorp Genetics (formerly Invitae), Labcorp); PubMed 16374518 (cited by Labcorp Genetics (formerly Invitae), Labcorp); PubMed 23443029 (cited by Labcorp Genetics (formerly Invitae), Labcorp); PubMed 33225392 (cited by Labcorp Genetics (formerly Invitae), Labcorp).